The following is an entry in ClinVar:

ClinVar aggregate classification (germline): Uncertain significance (1 of 4 stars; one submission).

Conditions:
Fanconi anemia (FA). Also called: Fanconi's anemia. Identifiers: Orphanet 84, MedGen C0015625, MeSH D005199, MONDO:0019391.

gnomAD v4.1: 2 of 1,614,118 alleles (0.00012%); highest among the groups gnomAD compares: Non-Finnish European, 0.00017%; no homozygotes.

Submission:

Labcorp Genetics (formerly Invitae), Labcorp
Classification: Uncertain significance for Fanconi anemia. Last evaluated: 2023-09-08. Review status: criteria provided, single submitter. Criteria: Invitae Variant Classification Sherloc (09022015). Collection method: clinical testing. Allele origin: germline.
Comment: This variant has not been reported in the literature in individuals affected with FANCA-related conditions. In summary, the available evidence is currently insufficient to determine the role of this variant in disease. Therefore, it has been classified as a Variant of Uncertain Significance. Advanced modeling of protein sequence and biophysical properties (such as structural, functional, and spatial information, amino acid conservation, physicochemical variation, residue mobility, and thermodynamic stability) performed at Invitae indicates that this missense variant is not expected to disrupt FANCA protein function. This variant is not present in population databases (gnomAD no frequency). This sequence change replaces leucine, which is neutral and non-polar, with valine, which is neutral and non-polar, at codon 817 of the FANCA protein (p.Leu817Val).

NM_000135.4(FANCA):c.2449C>G (p.Leu817Val)

Gene: FANCA (FA complementation group A; minus strand). Cytogenetic location: 16q24.3.
Variant type: single nucleotide variant.
Coding change: c.2449C>G on transcript NM_000135.4 (MANE Select); coding-DNA position 2449, C replaced by G.
Protein change: p.Leu817Val; replaces leucine 817 with valine.
Molecular consequence: missense variant.
Genome position (GRCh38, 1-based): chr16:89,769,892, G>C on the plus strand (C>G on the coding strand, the complement: FANCA is on the minus strand). VCF-style: chr16-89769892-G-C. GRCh37 (hg19) VCF-style: chr16-89836300-G-C.
Other names: c.2449C>G, p.Leu817Val (NM_001286167.3); short protein forms L817V.
Identifiers: ClinVar variation 2735800 (VCV002735800.3), dbSNP rs1422749540, ClinGen allele CA397443339.
Genomic context (GRCh38, chr16:89,769,892, plus strand): 5'-CTCACTTCAGGCAGAAGAACAAGGAATCCCTCGTCCTACAGGTCAGGAGGCTGTCAAAGA[G>C]CGCAGGGACAGGAAGGCCAGCACCAGGTGCAGGAGGACCCACATCCACCTCTGGGAGCGC-3'
Protein context (NP_000126.2, residues 807-827): APGAGLPVPA[Leu817Val]FDSLLTCRTR